The following is an entry in ClinVar:

ClinVar aggregate classification (germline): Uncertain significance (1 of 4 stars; one submission).

Conditions:
Cardiomyopathy (CMYO). Also called: Cardiomyopathies. Identifiers: Orphanet 167848, MedGen C0878544, MONDO:0004994, HP:0001638. Inheritance: Various modes of inheritance.

Submission:

Color Diagnostics, LLC DBA Color Health
Classification: Uncertain significance for Cardiomyopathy. Last evaluated: 2025-07-14. Review status: criteria provided, single submitter. Criteria: ACMG Guidelines, 2015. Collection method: clinical testing. Allele origin: germline.
Comment: This missense variant replaces isoleucine with asparagine at codon 1707 of the RYR2 protein. Computational prediction suggests that this variant may have deleterious impact on protein structure and function. To our knowledge, functional studies have not been reported for this variant. This variant has not been reported in individuals affected with RYR2-related disorders in the literature. This variant has not been identified in the general population by the Genome Aggregation Database (gnomAD). The available evidence is insufficient to determine the role of this variant in disease conclusively. Therefore, this variant is classified as a Variant of Uncertain Significance.

NM_001035.3(RYR2):c.5120T>A (p.Ile1707Asn)

Gene: RYR2 (ryanodine receptor 2; plus strand). Cytogenetic location: 1q43.
Variant type: single nucleotide variant.
Coding change: c.5120T>A on transcript NM_001035.3 (MANE Select); coding-DNA position 5120, T replaced by A.
Protein change: p.Ile1707Asn; replaces isoleucine 1707 with asparagine.
Molecular consequence: missense variant.
Genome position (GRCh38, 1-based): chr1:237,614,248, T>A. VCF-style: chr1-237614248-T-A. GRCh37 (hg19) VCF-style: chr1-237777548-T-A.
Other names: short protein forms I1707N.
Identifiers: ClinVar variation 4757573 (VCV004757573.1).